The following is an entry in ClinVar:

ClinVar aggregate classification (germline): Uncertain significance. Review status: criteria provided, multiple submitters, no conflicts (2 of 4 stars). 2 submissions from 2 submitters: Uncertain significance (2). Last evaluated 2022-10-26.

Conditions:
Pancreatic adenocarcinoma. Identifiers: MedGen C0281361, MONDO:0006047, HP:0006725.

gnomAD v4.1: 4 of 1,613,796 alleles (0.00025%); highest among the groups gnomAD compares: Non-Finnish European, 0.00034%; no homozygotes.

Submissions (2):

Labcorp Genetics (formerly Invitae), Labcorp
Classification: Uncertain significance for Pancreatic adenocarcinoma. Last evaluated: 2022-10-26. Review status: criteria provided, single submitter. Criteria: Invitae Variant Classification Sherloc (09022015). Collection method: clinical testing. Allele origin: germline.
Comment: This sequence change replaces phenylalanine, which is neutral and non-polar, with leucine, which is neutral and non-polar, at codon 555 of the PALLD protein (p.Phe555Leu). This variant is present in population databases (no rsID available, gnomAD 0.007%). This variant has not been reported in the literature in individuals affected with PALLD-related conditions. ClinVar contains an entry for this variant (Variation ID: 220991). Algorithms developed to predict the effect of missense changes on protein structure and function are either unavailable or do not agree on the potential impact of this missense change (SIFT: "Deleterious"; PolyPhen-2: "Benign"; Align-GVGD: "Class C15"). In summary, the available evidence is currently insufficient to determine the role of this variant in disease. Therefore, it has been classified as a Variant of Uncertain Significance.

Ambry Genetics
Classification: Uncertain significance. Last evaluated: 2022-04-24. Review status: criteria provided, single submitter. Criteria: Ambry Variant Classification Scheme 2023. Collection method: clinical testing. Allele origin: germline.
Comment: The p.F1042L variant (also known as c.3126T>A), located in coding exon 17 of the PALLD gene, results from a T to A substitution at nucleotide position 3126. The phenylalanine at codon 1042 is replaced by leucine, an amino acid with highly similar properties. This amino acid position is conserved. In addition, the in silico prediction for this alteration is inconclusive. Since supporting evidence is limited at this time, the clinical significance of this alteration remains unclear.

NM_001166108.2(PALLD):c.3177T>A (p.Phe1059Leu)

Genes: CBR4 (carbonyl reductase 4; minus strand), PALLD (palladin, cytoskeletal associated protein; plus strand). Cytogenetic location: 4q32.3.
Variant type: single nucleotide variant.
Coding change: c.3177T>A on transcript NM_001166108.2 (MANE Select); coding-DNA position 3177, T replaced by A.
Protein change: p.Phe1059Leu; replaces phenylalanine 1059 with leucine.
Molecular consequence: missense variant.
Genome position (GRCh38, 1-based): chr4:168,924,373, T>A. VCF-style: chr4-168924373-T-A. GRCh37 (hg19) VCF-style: chr4-169845524-T-A.
Other names: c.1980T>A, p.Phe660Leu (NM_001166109.2); c.1665T>A, p.Phe555Leu (NM_001166110.2); c.1005T>A, p.Phe335Leu (NM_001367567.1, NM_001367569.1); c.1056T>A, p.Phe352Leu (NM_001367568.1, NM_001367570.1); c.3126T>A, p.Phe1042Leu (NM_016081.4); short protein forms F1042L, F555L, F660L, F335L, F352L, F1059L.
Identifiers: ClinVar variation 220991 (VCV000220991.11), dbSNP rs778134231, ClinGen allele CA350000.
Genomic context (GRCh38, chr4:168,924,373, plus strand): 5'-TGATGGGTACCCAGTGCGGCTGGAATGTCGTGTATTGGGAGTGCCACCACCTCAGATATT[T>A]TGGAAGAAAGAAAATGAATCACTCACTCACAGCACTGACCGAGTGAGGTAAGACTGCACA-3'
Protein context (NP_001159580.1, residues 1049-1069): RVLGVPPPQI[Phe1059Leu]WKKENESLTH